The following is an entry in ClinVar:

ClinVar aggregate classification (germline): Uncertain significance (1 of 4 stars; one submission).

Submission:

Labcorp Genetics (formerly Invitae), Labcorp
Classification: Uncertain significance. Last evaluated: 2017-10-21. Review status: criteria provided, single submitter. Criteria: Invitae Variant Classification Sherloc (09022015). Collection method: clinical testing. Allele origin: germline.
Comment: Algorithms developed to predict the effect of missense changes on protein structure and function (SIFT, PolyPhen-2, Align-GVGD) all suggest that this variant is likely to be tolerated, but these predictions have not been confirmed by published functional studies and their clinical significance is uncertain. This variant has not been reported in the literature in individuals with IKBKAP-related disease. This variant is not present in population databases (ExAC no frequency). This sequence change replaces glutamine with arginine at codon 1303 of the IKBKAP protein (p.Gln1303Arg). The glutamine residue is moderately conserved and there is a small physicochemical difference between glutamine and arginine. In summary, the available evidence is currently insufficient to determine the role of this variant in disease. Therefore, it has been classified as a Variant of Uncertain Significance.

NM_003640.5(ELP1):c.3908A>G (p.Gln1303Arg)

Gene: ELP1 (elongator acetyltransferase complex subunit 1; minus strand). Cytogenetic location: 9q31.3.
Variant type: single nucleotide variant.
Coding change: c.3908A>G on transcript NM_003640.5 (MANE Select); coding-DNA position 3908, A replaced by G.
Protein change: p.Gln1303Arg; replaces glutamine 1303 with arginine.
Molecular consequence: missense variant.
Genome position (GRCh38, 1-based): chr9:108,874,918, T>C on the plus strand (A>G on the coding strand, the complement: ELP1 is on the minus strand). VCF-style: chr9-108874918-T-C. GRCh37 (hg19) VCF-style: chr9-111637198-T-C.
Other names: c.3908A>G (LRG_251t1); c.3566A>G, p.Gln1189Arg (NM_001318360.2); c.2861A>G, p.Gln954Arg (NM_001330749.2); short protein forms Q1303R, Q954R, Q1189R.
Identifiers: ClinVar variation 526193 (VCV000526193.9), dbSNP rs1554737851, ClinGen allele CA374410392.